The following is an entry in ClinVar:

NM_001256012.3(MYH10):c.3599+2T>G

Gene: MYH10 (myosin heavy chain 10; minus strand). Cytogenetic location: 17p13.1.
Variant type: single nucleotide variant.
Coding change: c.3599+2T>G on transcript NM_001256012.3 (MANE Select); the canonical splice donor site of the intron after coding-DNA position 3599, T replaced by G.
Molecular consequence: splice donor variant.
Genome position (GRCh38, 1-based): chr17:8,504,692, A>C on the plus strand (T>G on the coding strand, the complement: MYH10 is on the minus strand). VCF-style: chr17-8504692-A-C. GRCh37 (hg19) VCF-style: chr17-8408010-A-C.
Other names: c.3536+2T>G (NM_001375266.1); c.3506+2T>G (NM_005964.5); c.3533+2T>G (NM_001256095.2).
Identifiers: ClinVar variation 2428853 (VCV002428853.5), dbSNP rs2544290414, ClinGen allele CA398035795.

ClinVar aggregate classification (germline): Uncertain significance (1 of 4 stars; one submission).

Submission:

GeneDx
Classification: Uncertain significance. Last evaluated: 2022-08-06. Review status: criteria provided, single submitter. Criteria: GeneDx Variant Classification Process June 2021. Collection method: clinical testing. Allele origin: germline. Affected: yes.
Comment: Not observed at significant frequency in large population cohorts (gnomAD); Canonical splice site variant in a gene or region of a gene for which loss of function is not a well-established mechanism of disease; Has not been previously published as pathogenic or benign to our knowledge; Variants in candidate genes are classified as variants of uncertain significance in accordance with ACMG guidelines (Richards et al., 2015)